The following is an entry in ClinVar:

ClinVar aggregate classification (germline): Pathogenic (1 of 4 stars; one submission).

Conditions:
Familial thoracic aortic aneurysm and aortic dissection (TAAD). Also called: Thoracic aortic aneurysms and dissections. Identifiers: Orphanet 91387, MedGen C4707243, MONDO:0019625.

Submission:

Ambry Genetics
Classification: Pathogenic for Familial thoracic aortic aneurysm and aortic dissection. Last evaluated: 2016-03-14. Review status: criteria provided, single submitter. Criteria: Ambry Variant Classification Scheme 2023. Collection method: clinical testing. Allele origin: germline.
Comment: The c.7120delC pathogenic mutation, located in coding exon 57 of the FBN1 gene, results from a deletion of one nucleotide at position 7120, causing a translational frameshift with a predicted alternate stop codon (p.H2374Tfs*24). Since frameshifts are typically deleterious in nature, this alteration is interpreted as a disease-causing mutation (ACMG Recommendations for Standards for Interpretation and Reporting of Sequence Variations. Revision 2007. Genet Med. 2008;10:294).

NM_000138.5(FBN1):c.7120del (p.His2374fs)

Gene: FBN1 (fibrillin 1; minus strand). Cytogenetic location: 15q21.1.
Variant type: Deletion.
Coding change: c.7120del on transcript NM_000138.5 (MANE Select); coding-DNA position 7120, one base deleted (C; older notation c.7120delC).
Protein change: p.His2374fs; shifts the reading frame from histidine 2374.
Molecular consequence: frameshift variant.
Genome position (GRCh38, 1-based): chr15:48,427,651, G deleted on the plus strand (C on the coding strand, the reverse complement: FBN1 is on the minus strand); the first of 4 consecutive G bases (chr15:48,427,651-48,427,654); deleting any one gives the same sequence. VCF-style (leftmost placement, unchanged base first): chr15-48427650-TG-T. GRCh37 (hg19) VCF-style: chr15-48719847-TG-T.
Other names: c.7120delC (NM_000138.4); short protein forms H2374fs.
Identifiers: ClinVar variation 519701 (VCV000519701.5), dbSNP rs1555394566, ClinGen allele CA658798046.
Genomic context (GRCh38, chr15:48,427,650, plus strand): 5'-CGGCCATGGGGACAGAGTTTCTTGAAAGCCACAGTCCCCTGGAAAGGGCAGATCTCACAG[TG>T]GGGACCCCAGCCTCTCCCTCCGTCACAGCAGCATTCCGATTTGGTGACGGGGTTCCTGTT-3'